The following is an entry in ClinVar:

NM_032119.4(ADGRV1):c.6431G>A (p.Gly2144Glu)

Gene: ADGRV1 (adhesion G protein-coupled receptor V1; plus strand). Cytogenetic location: 5q14.3.
Variant type: single nucleotide variant.
Coding change: c.6431G>A on transcript NM_032119.4 (MANE Select); coding-DNA position 6431, G replaced by A.
Protein change: p.Gly2144Glu; replaces glycine 2144 with glutamic acid.
Molecular consequence: missense variant. On other transcripts: non-coding transcript variant (1).
Genome position (GRCh38, 1-based): chr5:90,685,936, G>A. VCF-style: chr5-90685936-G-A. GRCh37 (hg19) VCF-style: chr5-89981753-G-A.
Other names: short protein forms G2144E.
Identifiers: ClinVar variation 956781 (VCV000956781.7), dbSNP rs751354925, ClinGen allele CA3339780.

ClinVar aggregate classification (germline): Uncertain significance (1 of 4 stars; one submission).

Allele frequency attached by ClinVar (database versions not stated): TOPMed 0.00001; ExAC 0.00002; gnomAD exomes 0.00001.
gnomAD v4.1: 3 of 1,608,478 alleles (0.00019%); highest among the groups gnomAD compares: African/African-American, 0.0013%; no homozygotes.

Submission:

Labcorp Genetics (formerly Invitae), Labcorp
Classification: Uncertain significance. Last evaluated: 2022-03-10. Review status: criteria provided, single submitter. Criteria: Invitae Variant Classification Sherloc (09022015). Collection method: clinical testing. Allele origin: germline.
Comment: This sequence change replaces glycine, which is neutral and non-polar, with glutamic acid, which is acidic and polar, at codon 2144 of the ADGRV1 protein (p.Gly2144Glu). This variant is present in population databases (rs751354925, gnomAD 0.002%). This variant has not been reported in the literature in individuals affected with ADGRV1-related conditions. ClinVar contains an entry for this variant (Variation ID: 956781). Algorithms developed to predict the effect of missense changes on protein structure and function are either unavailable or do not agree on the potential impact of this missense change (SIFT: "Deleterious"; PolyPhen-2: "Probably Damaging"; Align-GVGD: "Class C0"). In summary, the available evidence is currently insufficient to determine the role of this variant in disease. Therefore, it has been classified as a Variant of Uncertain Significance.